The following is an entry in ClinVar:

NM_003872.3(NRP2):c.138C>G (p.Pro46=)

Gene: NRP2 (neuropilin 2; plus strand). Cytogenetic location: 2q33.3.
Variant type: single nucleotide variant.
Coding change: c.138C>G on transcript NM_003872.3 (MANE Select); coding-DNA position 138, C replaced by G.
Protein change: p.Pro46=; no amino-acid change (proline 46 retained).
Molecular consequence: synonymous variant.
Genome position (GRCh38, 1-based): chr2:205,697,608, C>G. VCF-style: chr2-205697608-C-G. GRCh37 (hg19) VCF-style: chr2-206562332-C-G.
Other names: c.138C>G, p.Pro46= (NM_018534.4, NM_201264.2, NM_201266.2 and 2 more transcripts).
Identifiers: ClinVar variation 3355935 (VCV003355935.1).
Genomic context (GRCh38, chr2:205,697,608, plus strand): 5'-ACCGTGCGGAGGTCGTTTGAATTCCAAAGATGCTGGCTATATCACCTCTCCCGGTTACCC[C>G]CAGGACTACCCCTCCCACCAGAACTGCGAGTGGATTGTTTACGCCCCCGAACCCAACCAG-3'
Protein context (NP_003863.2, residues 36-56): DAGYITSPGY[Pro46=]QDYPSHQNCE

ClinVar aggregate classification (germline): Likely benign (0 of 4 stars; one submission).

Conditions:
NRP2-related disorder. Also called: NRP2-related condition.

gnomAD v4.1: 1 of 1,613,982 alleles (0.000062%); highest among the groups gnomAD compares: African/African-American, 0.0013%; no homozygotes.

Submission:

PreventionGenetics, part of Exact Sciences
Classification: Likely benign for NRP2-related condition. Last evaluated: 2023-04-13. Review status: no assertion criteria provided. Collection method: clinical testing. Allele origin: germline.
Comment: This variant is classified as likely benign based on ACMG/AMP sequence variant interpretation guidelines (Richards et al. 2015 PMID: 25741868, with internal and published modifications).